The following is an entry in ClinVar:

ClinVar aggregate classification (germline): Likely pathogenic (1 of 4 stars; one submission).

Conditions:
Ellis-van Creveld syndrome (EVC). Also called: EVC-Related Ellis-van Creveld Syndrome; EVC2-Related Ellis-van Creveld Syndrome; MESOECTODERMAL DYSPLASIA; Chondroectodermal dysplasia. Identifiers: Orphanet 289, MedGen C0013903, MONDO:0009162, OMIM 225500.

Submission:

Myriad Genetics, Inc.
Classification: Likely pathogenic for Ellis-van Creveld syndrome. Last evaluated: 2021-12-27. Review status: criteria provided, single submitter. Criteria: Myriad Women's Health Autosomal Recessive and X-Linked Classification Criteria (2021). Collection method: clinical testing. Allele origin: unknown.
Comment: NM_153717.2(EVC):c.1620_1621delTC(Q541Dfs*14) is expected to be pathogenic in the context of EVC-related Ellis-van Creveld syndrome. This variant is predicted to lead to an abnormal or absent protein product due to the creation of a premature termination codon in EVC, a gene where loss-of-function variants are known to be pathogenic. Please note: this variant was assessed in the context of healthy population screening.

NM_153717.3(EVC):c.1620_1621del (p.Gln541fs)

Gene: EVC (EvC ciliary complex subunit 1; plus strand). Cytogenetic location: 4p16.2.
Variant type: Deletion.
Coding change: c.1620_1621del on transcript NM_153717.3 (MANE Select); coding-DNA positions 1620 to 1621, 2 bases deleted (TC; older notation c.1620_1621delTC).
Protein change: p.Gln541fs; shifts the reading frame from glutamine 541.
Molecular consequence: frameshift variant.
Genome position (GRCh38, 1-based): chr4:5,783,608-5,783,609, TC deleted. VCF-style (leftmost placement, unchanged base first): chr4-5783607-TTC-T. GRCh37 (hg19) VCF-style: chr4-5785334-TTC-T.
Other names: c.1620_1621del, p.Gln541fs (NM_001306090.2); short protein forms Q541fs.
Identifiers: ClinVar variation 1726603 (VCV001726603.2), dbSNP rs2476467795, ClinGen allele CA2580070813.